The following is an entry in ClinVar:

Single allele

Genes: RFX3-DT (RFX3 divergent transcript; plus strand), LOC126860559 (CDK7 strongly-dependent group 2 enhancer GRCh37_chr9:3674142-3675341; plus strand). Cytogenetic location: 9p24.2.
Variant type: Deletion.
Identifiers: ClinVar variation 157133 (VCV000157133.2).

ClinVar aggregate classification (germline): not provided (0 of 4 stars; one submission).

Conditions:
Large for gestational age. Identifiers: MedGen C1848395, HP:0001520.

Submission:

Institute of Molecular and Cell Biology, University of Tartu
No classification provided. Condition: Large for gestational age. Review status: no classification provided. Collection method: case-control. Allele origin: unknown. Affected: yes. Study: Kasak2014.
Comment: The study aimed to determine the contribution of copy number variants in the genetic etiology of normal and complicated pregnancies. The samples represented (i) maternal blood DNA drawn from healthy pregnant women during 1st or 2nd trimester and (ii) maternal and paternal blood DNA drawn at term pregnancy cases representing normal and complicated gestations (severe preeclampsia, PE; gestational diabetes, GD; small-for-gestational age newborn, SGA; large-for-gestational age newborn, LGA). We performed CNV calling based on genome-wide genotyping dataset (Illumina HumanOmniExpress-24-v1 BeadChip) by applying three algorithms, QuantiSNP, GADA (Genome Alteration Detection Algorithm) and CNstream in parallel. The acquired CNV calls were merged with HD-CNV (Hotspot Detector for Copy Number Variants) program and only the CNVs predicted by at least two programs, were considered in subsequent analysis.

Literature cited by the submitters: PubMed 25666259.